The following is an entry in ClinVar:

ClinVar aggregate classification (germline): Likely benign. Review status: criteria provided, multiple submitters, no conflicts (2 of 4 stars). 3 submissions from 3 submitters: Likely benign (2). 1 of the submissions does not count toward it. Last evaluated 2026-01-09.

Conditions:
RTN4IP1-related disorder. Also called: RTN4IP1-related condition.

Allele frequency attached by ClinVar (database versions not stated): gnomAD exomes 0.00004 and 0.00012; TOPMed 0.00004; gnomAD 0.00006 and 0.00011; ExAC 0.00012; 1000 Genomes Project 0.00060; 1000 Genomes Project 30x 0.00094.
gnomAD v4.1: 94 of 1,603,162 alleles (0.0059%); highest among the groups gnomAD compares: East Asian, 0.04%; no homozygotes.

Submissions (3):

Labcorp Genetics (formerly Invitae), Labcorp
Classification: Likely benign. Last evaluated: 2026-01-09. Review status: criteria provided, single submitter. Criteria: Invitae Variant Classification Sherloc (09022015). Collection method: clinical testing. Allele origin: germline.

Blueprint Genetics
Classification: Likely benign. Last evaluated: 2023-12-15. Review status: criteria provided, single submitter. Criteria: ACMG Guidelines, 2015. Collection method: clinical testing. Allele origin: germline.

PreventionGenetics, part of Exact Sciences
Classification: Likely benign for RTN4IP1-related condition. Last evaluated: 2019-06-18. Review status: no assertion criteria provided. Collection method: clinical testing. Allele origin: germline. Not counted in ClinVar's aggregate classification.
Comment: This variant is classified as likely benign based on ACMG/AMP sequence variant interpretation guidelines (Richards et al. 2015 PMID: 25741868, with internal and published modifications).

NM_032730.5(RTN4IP1):c.670-4G>A

Gene: RTN4IP1 (reticulon 4 interacting protein 1; minus strand). Cytogenetic location: 6q21.
Variant type: single nucleotide variant.
Coding change: c.670-4G>A on transcript NM_032730.5 (MANE Select); 4 bases into the intron before coding-DNA position 670, G replaced by A.
Molecular consequence: intron variant.
Genome position (GRCh38, 1-based): chr6:106,592,304, C>T on the plus strand (G>A on the coding strand, the complement: RTN4IP1 is on the minus strand). VCF-style: chr6-106592304-C-T. GRCh37 (hg19) VCF-style: chr6-107040179-C-T.
Other names: c.370-4G>A (NM_001318746.1).
Identifiers: ClinVar variation 1077900 (VCV001077900.12), dbSNP rs185883401, ClinGen allele CA3944397.
Genomic context (GRCh38, chr6:106,592,304, plus strand): 5'-TTCACTGGCATCTTGGGAGCAAACTGCTGTCACATGAGCATCCCATGCTTTCATTACCTG[C>T]CCCCCACCAAAAAGAAAAAAAGAATAAAAAAGGGAGAGATTAGAAAAACTGACTGCATTG-3'